The following is an entry in ClinVar:

ClinVar aggregate classification (germline): Uncertain significance (1 of 4 stars; one submission).

Conditions:
Severe combined immunodeficiency due to DNA-PKcs deficiency. Also called: Immunodeficiency 26 with or without neurologic abnormalities; IMMUNODEFICIENCY 26 WITH NEUROLOGIC ABNORMALITIES. Identifiers: Orphanet 317425, MedGen C4014833, MONDO:0014423, OMIM 615966.

Allele frequency attached by ClinVar (database versions not stated): gnomAD exomes below 0.00001; TOPMed below 0.00001; ExAC 0.00001.

Submission:

Labcorp Genetics (formerly Invitae), Labcorp
Classification: Uncertain significance for Severe combined immunodeficiency due to DNA-PKcs deficiency. Last evaluated: 2022-10-17. Review status: criteria provided, single submitter. Criteria: Invitae Variant Classification Sherloc (09022015). Collection method: clinical testing. Allele origin: germline.
Comment: This sequence change replaces methionine, which is neutral and non-polar, with valine, which is neutral and non-polar, at codon 1643 of the PRKDC protein (p.Met1643Val). This variant is present in population databases (rs749223265, gnomAD 0.0009%). This variant has not been reported in the literature in individuals affected with PRKDC-related conditions. ClinVar contains an entry for this variant (Variation ID: 1407685). Advanced modeling of protein sequence and biophysical properties (such as structural, functional, and spatial information, amino acid conservation, physicochemical variation, residue mobility, and thermodynamic stability) performed at Invitae indicates that this missense variant is not expected to disrupt PRKDC protein function. In summary, the available evidence is currently insufficient to determine the role of this variant in disease. Therefore, it has been classified as a Variant of Uncertain Significance.

NM_006904.7(PRKDC):c.4927A>G (p.Met1643Val)

Gene: PRKDC (protein kinase, DNA-activated, catalytic subunit; minus strand). Cytogenetic location: 8q11.21.
Variant type: single nucleotide variant.
Coding change: c.4927A>G on transcript NM_006904.7 (MANE Select); coding-DNA position 4927, A replaced by G.
Protein change: p.Met1643Val; replaces methionine 1643 with valine.
Molecular consequence: missense variant.
Genome position (GRCh38, 1-based): chr8:47,881,947, T>C on the plus strand (A>G on the coding strand, the complement: PRKDC is on the minus strand). VCF-style: chr8-47881947-T-C. GRCh37 (hg19) VCF-style: chr8-48794508-T-C.
Other names: c.4927A>G, p.Met1643Val (NM_001081640.2); short protein forms M1643V.
Identifiers: ClinVar variation 1407685 (VCV001407685.6), dbSNP rs749223265, ClinGen allele CA4740767.
Genomic context (GRCh38, chr8:47,881,947, plus strand): 5'-ACTGCTTTTTAAAGGAATTGAATACCTGTAAAATTTTTGCCAGTAAGGCCAGCACTGCCA[T>C]TTTAGTTTCGAGAGGGGAATCTTTGGCCCACCATGAATCACACTTCTTCCAGTGTTGCAG-3'
Protein context (NP_008835.5, residues 1633-1653): WAKDSPLETK[Met1643Val]AVLALLAKIL